The following is an entry in ClinVar:

NM_001330700.2(TOP2B):c.4711-14_4719dup

Gene: TOP2B (DNA topoisomerase II beta; minus strand). Cytogenetic location: 3p24.2.
Variant type: Duplication.
Coding change: c.4711-14_4719dup on transcript NM_001330700.2 (MANE Select); 14 bases into the intron before coding-DNA position 4711 through coding-DNA position 4719, 23 bases duplicated (GAAAAAAAATCTAGAAACCGAAG).
Molecular consequence: splice acceptor variant.
Genome position (GRCh38, 1-based): chr3:25,598,469-25,598,491, CTTCGGTTTCTAGATTTTTTTTC duplicated on the plus strand (GAAAAAAAATCTAGAAACCGAAG on the coding strand, the reverse complement: TOP2B is on the minus strand). VCF-style (leftmost placement, unchanged base first): chr3-25598468-T-TCTTCGGTTTCTAGATTTTTTTTC. GRCh37 (hg19) VCF-style: chr3-25639959-T-TCTTCGGTTTCTAGATTTTTTTTC.
Other names: c.4696-14_4704dup (NM_001068.3).
Identifiers: ClinVar variation 3651085 (VCV003651085.2).

ClinVar aggregate classification (germline): Uncertain significance (1 of 4 stars; one submission).

Submission:

Labcorp Genetics (formerly Invitae), Labcorp
Classification: Uncertain significance. Last evaluated: 2024-04-25. Review status: criteria provided, single submitter. Criteria: Invitae Variant Classification Sherloc (09022015). Collection method: clinical testing. Allele origin: germline.
Comment: This sequence change falls in intron 35 of the TOP2B gene. It does not directly change the encoded amino acid sequence of the TOP2B protein. This variant is not present in population databases (gnomAD no frequency). This variant has not been reported in the literature in individuals affected with TOP2B-related conditions. This variant is also known as c.4696-14_4704dup (p.Lys1569Glufs*42). In summary, the available evidence is currently insufficient to determine the role of this variant in disease. Therefore, it has been classified as a Variant of Uncertain Significance.